The following is an entry in ClinVar:

NM_138694.4(PKHD1):c.1896A>G (p.Thr632=)

Gene: PKHD1 (PKHD1 ciliary IPT domain containing fibrocystin/polyductin; minus strand). Cytogenetic location: 6p12.2.
Variant type: single nucleotide variant.
Coding change: c.1896A>G on transcript NM_138694.4 (MANE Select); coding-DNA position 1896, A replaced by G.
Protein change: p.Thr632=; no amino-acid change (threonine 632 retained).
Molecular consequence: synonymous variant.
Genome position (GRCh38, 1-based): chr6:52,054,106, T>C on the plus strand (A>G on the coding strand, the complement: PKHD1 is on the minus strand). VCF-style: chr6-52054106-T-C. GRCh37 (hg19) VCF-style: chr6-51918904-T-C.
Other names: c.1896A>G, p.Thr632= (NM_170724.3); c.1896A>G (NM_138694.3).
Identifiers: ClinVar variation 1973105 (VCV001973105.6), dbSNP rs1581981607, ClinGen allele CA450419245.

ClinVar aggregate classification (germline): Likely benign. Review status: criteria provided, multiple submitters, no conflicts (2 of 4 stars). 2 submissions from 2 submitters: Likely benign (2). Last evaluated 2025-04-13.

Conditions:
PKHD1-related disorder. Also called: PKHD1-related condition.
Autosomal recessive polycystic kidney disease (ARPKD). Also called: AR polycystic kidney disease. Identifiers: Orphanet 731, Orphanet 8378, MedGen C0085548, MeSH D017044, MONDO:0009889.

Submissions (2):

PreventionGenetics, part of Exact Sciences
Classification: Likely benign for PKHD1-related condition. Last evaluated: 2025-04-13. Review status: criteria provided, single submitter. Criteria: ACMG Guidelines, 2015. Collection method: clinical testing. Allele origin: germline.
Comment: This variant is classified as likely benign based on ACMG/AMP sequence variant interpretation guidelines (Richards et al. 2015 PMID: 25741868, with internal and published modifications).

Labcorp Genetics (formerly Invitae), Labcorp
Classification: Likely benign for Autosomal recessive polycystic kidney disease. Last evaluated: 2022-10-27. Review status: criteria provided, single submitter. Criteria: Invitae Variant Classification Sherloc (09022015). Collection method: clinical testing. Allele origin: germline.